The following is an entry in ClinVar:

ClinVar aggregate classification (germline): Uncertain significance (1 of 4 stars; one submission).

Conditions:
Inborn genetic diseases. Identifiers: MedGen C0950123, MeSH D030342.

Submission:

Ambry Genetics
Classification: Uncertain significance for Inborn genetic diseases. Last evaluated: 2026-03-11. Review status: criteria provided, single submitter. Criteria: Ambry Variant Classification Scheme 2023. Collection method: clinical testing. Allele origin: germline.
Comment: The p.L373V variant (also known as c.1117C>G), located in coding exon 9 of the KDM1A gene, results from a C to G substitution at nucleotide position 1117. The leucine at codon 373 is replaced by valine, an amino acid with highly similar properties. This amino acid position is conserved. In addition, this alteration is predicted to be tolerated by in silico analysis. Based on the available evidence, the clinical significance of this variant remains unclear.

NM_001009999.3(KDM1A):c.1117C>G (p.Leu373Val)

Gene: KDM1A (lysine demethylase 1A; plus strand). Cytogenetic location: 1p36.12.
Variant type: single nucleotide variant.
Coding change: c.1117C>G on transcript NM_001009999.3 (MANE Select); coding-DNA position 1117, C replaced by G.
Protein change: p.Leu373Val; replaces leucine 373 with valine.
Molecular consequence: missense variant.
Genome position (GRCh38, 1-based): chr1:23,059,117, C>G. VCF-style: chr1-23059117-C-G. GRCh37 (hg19) VCF-style: chr1-23385610-C-G.
Other names: c.1057C>G, p.Leu353Val (NM_001363654.2, NM_001410763.1, NM_015013.4); c.1117C>G, p.Leu373Val (NM_001410762.1); short protein forms L353V, L373V.
Identifiers: ClinVar variation 4826123 (VCV004826123.1).